The following is an entry in ClinVar:

ClinVar aggregate classification (germline): Conflicting classifications of pathogenicity. Review status: criteria provided, conflicting classifications (1 of 4 stars). 5 submissions from 5 submitters: Likely pathogenic (3); Uncertain significance (1). 1 of the submissions does not count toward it. Last evaluated 2025-03-05.

Conditions:
Diffuse cerebral and cerebellar atrophy - intractable seizures - progressive microcephaly syndrome. Also called: Microcephaly, progressive, with seizures and cerebral and cerebellar atrophy. Identifiers: Orphanet 404437, MedGen C4014239, MONDO:0014335, OMIM 615760.
Microcephaly. Also called: Microcephaly (disease). Identifiers: MedGen C4551563, MONDO:0001149, HP:0000252.

gnomAD v4.1: 5 of 1,614,258 alleles (0.00031%); highest among the groups gnomAD compares: Middle Eastern, 0.033%; no homozygotes.

Submissions (5):

GeneDx
Classification: Likely pathogenic. Last evaluated: 2025-03-05. Review status: criteria provided, single submitter. Criteria: GeneDx Variant Classification Process June 2021. Collection method: clinical testing. Allele origin: germline.
Comment: Not observed at significant frequency in large population cohorts (gnomAD); In silico analysis supports that this missense variant has a deleterious effect on protein structure/function; This variant is associated with the following publications: (PMID: 25471517, 32042906, 37644014, 27717089, 32533790, 36937954)

Dubai Health Genomic Medicine Center, Dubai Health
Classification: Likely pathogenic for Microcephaly. Last evaluated: 2024-10-04. Review status: criteria provided, single submitter. Criteria: ACMG Guidelines, 2015. Collection method: research. Allele origin: germline. Affected: yes.
Comment: PM3(strong),PM2,PP3,PP1(moderate)

Genomic Medicine Center of Excellence, King Faisal Specialist Hospital and Research Centre
Classification: Likely pathogenic for Diffuse cerebral and cerebellar atrophy - intractable seizures - progressive microcephaly syndrome. Last evaluated: 2024-03-25. Review status: criteria provided, single submitter. Criteria: ACMG Guidelines, 2015. Collection method: research. Allele origin: germline.

Revvity Omics, Revvity
Classification: Uncertain significance for Diffuse cerebral and cerebellar atrophy - intractable seizures - progressive microcephaly syndrome. Last evaluated: 2021-09-08. Review status: criteria provided, single submitter. Criteria: ACMG Guidelines, 2015. Collection method: clinical testing. Allele origin: germline.

Biochemical Molecular Genetic Laboratory, King Abdulaziz Medical City
Classification: Pathogenic for Diffuse cerebral and cerebellar atrophy - intractable seizures - progressive microcephaly syndrome. Last evaluated: 2020-02-05. Review status: no assertion criteria provided. Collection method: clinical testing. Allele origin: germline. Affected: yes. Not counted in ClinVar's aggregate classification.

NM_005051.3(QARS1):c.1058G>T (p.Gly353Val)

Gene: QARS1 (glutaminyl-tRNA synthetase 1; minus strand). Cytogenetic location: 3p21.31.
Variant type: single nucleotide variant.
Coding change: c.1058G>T on transcript NM_005051.3 (MANE Select); coding-DNA position 1058, G replaced by T.
Protein change: p.Gly353Val; replaces glycine 353 with valine.
Molecular consequence: missense variant. On other transcripts: non-coding transcript variant (1).
Genome position (GRCh38, 1-based): chr3:49,100,296, C>A on the plus strand (G>T on the coding strand, the complement: QARS1 is on the minus strand). VCF-style: chr3-49100296-C-A. GRCh37 (hg19) VCF-style: chr3-49137729-C-A.
Other names: c.1025G>T, p.Gly342Val (NM_001272073.2); c.1058G>T (NM_005051.2); short protein forms G342V, G353V.
Identifiers: ClinVar variation 828125 (VCV000828125.9), dbSNP rs752600100, ClinGen allele CA352710825.